The following is an entry in ClinVar:

NM_004304.5(ALK):c.3064A>G (p.Ile1022Val)

Gene: ALK (ALK receptor tyrosine kinase; minus strand). Cytogenetic location: 2p23.2.
Variant type: single nucleotide variant.
Coding change: c.3064A>G on transcript NM_004304.5 (MANE Select); coding-DNA position 3064, A replaced by G.
Protein change: p.Ile1022Val; replaces isoleucine 1022 with valine.
Molecular consequence: missense variant.
Genome position (GRCh38, 1-based): chr2:29,226,925, T>C on the plus strand (A>G on the coding strand, the complement: ALK is on the minus strand). VCF-style: chr2-29226925-T-C. GRCh37 (hg19) VCF-style: chr2-29449791-T-C.
Other names: short protein forms I1022V.
Identifiers: ClinVar variation 2849460 (VCV002849460.3), dbSNP rs2148178278, ClinGen allele CA346467531.

ClinVar aggregate classification (germline): Uncertain significance (1 of 4 stars; one submission).

Conditions:
Neuroblastoma, susceptibility to, 3. Also called: ALK-Related Neuroblastic Tumor Susceptibility. Identifiers: Orphanet 635, MedGen C2751681, MONDO:0013083, OMIM 613014.

Allele frequency attached by ClinVar (database versions not stated): gnomAD exomes below 0.00001.
gnomAD v4.1: 1 of 1,614,090 alleles (0.000062%); highest among the groups gnomAD compares: Non-Finnish European, 0.000085%; no homozygotes.

Submission:

Labcorp Genetics (formerly Invitae), Labcorp
Classification: Uncertain significance for Neuroblastoma, susceptibility to, 3. Last evaluated: 2023-03-26. Review status: criteria provided, single submitter. Criteria: Invitae Variant Classification Sherloc (09022015). Collection method: clinical testing. Allele origin: germline.
Comment: In summary, the available evidence is currently insufficient to determine the role of this variant in disease. Therefore, it has been classified as a Variant of Uncertain Significance. Algorithms developed to predict the effect of missense changes on protein structure and function output the following: SIFT: "Not Available"; PolyPhen-2: "Benign"; Align-GVGD: "Not Available". The valine amino acid residue is found in multiple mammalian species, which suggests that this missense change does not adversely affect protein function. This variant has not been reported in the literature in individuals affected with ALK-related conditions. This variant is not present in population databases (gnomAD no frequency). This sequence change replaces isoleucine, which is neutral and non-polar, with valine, which is neutral and non-polar, at codon 1022 of the ALK protein (p.Ile1022Val).